The following is an entry in ClinVar:

ClinVar aggregate classification (germline): Conflicting classifications of pathogenicity. Review status: criteria provided, conflicting classifications (1 of 4 stars). 4 submissions from 4 submitters: Pathogenic (1); Likely pathogenic (1); Uncertain significance (2). Last evaluated 2026-01-06.
ClinVar aggregate classification (somatic clinical impact): Tier I - Strong (1 of 4 stars; one submission).

Conditions:
Neurofibromatosis, type 1 (NF1). Also called: Neurofibromatosis, type I; Peripheral type neurofibromatosis; NEUROFIBROMATOSIS, TYPE I, SOMATIC; VON RECKLINGHAUSEN DISEASE. Identifiers: Orphanet 636, MedGen C0027831, MONDO:0018975, OMIM 162200. Disease mechanism: loss of function.
Cardiovascular phenotype. Identifiers: MedGen CN230736.
Hereditary cancer-predisposing syndrome. Also called: Hereditary neoplastic syndrome; Neoplastic Syndromes, Hereditary; Hereditary Cancer Syndrome; Tumor predisposition. Identifiers: Orphanet 140162, MedGen C0027672, MeSH D009386, MONDO:0015356.
NF1-related disorder. Also called: NF1-related condition. Identifiers: MedGen CN379171.
Dysembryoplastic neuroepithelial tumor. Identifiers: Orphanet 251946, MedGen C1266177, MONDO:0005505, HP:0033703.

Submissions (5):

Labcorp Genetics (formerly Invitae), Labcorp
Classification: Likely pathogenic for Neurofibromatosis, type 1. Last evaluated: 2026-01-06. Review status: criteria provided, single submitter. Criteria: Invitae Variant Classification Sherloc (09022015). Collection method: clinical testing. Allele origin: germline.
Comment: This sequence change replaces isoleucine, which is neutral and non-polar, with threonine, which is neutral and polar, at codon 1620 of the NF1 protein (p.Ile1620Thr). This variant is not present in population databases (gnomAD no frequency). This missense change has been observed in individual(s) with neurofibromatosis type 1 (PMID: 30014477). ClinVar contains an entry for this variant (Variation ID: 582432). Invitae Evidence Modeling of protein sequence and biophysical properties (such as structural, functional, and spatial information, amino acid conservation, physicochemical variation, residue mobility, and thermodynamic stability) has been performed for this missense variant. However, the output from this modeling did not meet the statistical confidence thresholds required to predict the impact of this variant on NF1 protein function. In summary, the currently available evidence indicates that the variant is pathogenic, but additional data are needed to prove that conclusively. Therefore, this variant has been classified as Likely Pathogenic.

Ambry Genetics
Classification: Uncertain significance for Cardiovascular phenotype; Hereditary cancer-predisposing syndrome. Last evaluated: 2025-10-02. Review status: criteria provided, single submitter. Criteria: Ambry Variant Classification Scheme 2023. Collection method: clinical testing. Allele origin: germline.
Comment: The p.I1620T variant (also known as c.4859T>C), located in coding exon 36 of the NF1 gene, results from a T to C substitution at nucleotide position 4859. The isoleucine at codon 1620 is replaced by threonine, an amino acid with similar properties. This amino acid position is highly conserved in available vertebrate species. In addition, this alteration is predicted to be deleterious by in silico analysis. Since supporting evidence is limited at this time, the clinical significance of this alteration remains unclear.

GeneDx
Classification: Uncertain significance. Last evaluated: 2024-04-30. Review status: criteria provided, single submitter. Criteria: GeneDx Variant Classification Process June 2021. Collection method: clinical testing. Allele origin: germline. Affected: yes.
Comment: Observed in individuals reported to have features consistent with NF1-related neurofibromatosis (PMID: 26740943, 30014477); Not observed at significant frequency in large population cohorts (gnomAD); In silico analysis supports that this missense variant has a deleterious effect on protein structure/function; This variant is associated with the following publications: (PMID: Morosini2014[thesis], 26740943, 30014477)

Institute for Genomic Medicine (IGM) Clinical Laboratory, Nationwide Children's Hospital
Classification: Tier I - Strong for Dysembryoplastic neuroepithelial tumor. Assertion type: diagnostic. Clinical significance: supports diagnosis. Last evaluated: 2023-10-11. Review status: criteria provided, single submitter. Criteria: AMP/ASCO/CAP Guidelines, 2017. Collection method: clinical testing. Allele origin: somatic. Affected: yes.
Comment: Variant has Tier I (strong) clinical significance as a diagnostic inclusion criterion in dysembryoplastic neuroepithelial tumor, based on the following evidence: 1) Diagnostic for a specific tumor type/classification based on well-powered studies with expert-level consensus (Evidence Level B; PMIDs: 26810070, 31617914, 23583981).

Blueprint Genetics
Classification: Pathogenic for NF1-related disorders. Last evaluated: 2023-01-10. Review status: criteria provided, single submitter. Criteria: ACMG Guidelines, 2015. Collection method: clinical testing. Allele origin: de novo. Affected: yes. Observed: 1 variant allele.

Literature cited by the submitters: PubMed 30014477 (cited by Labcorp Genetics (formerly Invitae), Labcorp and Ambry Genetics); PubMed 26740943 (cited by Ambry Genetics); PubMed 26810070 (cited by Institute for Genomic Medicine (IGM) Clinical Laboratory, Nationwide Children's Hospital); PubMed 31617914 (cited by Institute for Genomic Medicine (IGM) Clinical Laboratory, Nationwide Children's Hospital); PubMed 23583981 (cited by Institute for Genomic Medicine (IGM) Clinical Laboratory, Nationwide Children's Hospital).

NM_001042492.3(NF1):c.4922T>C (p.Ile1641Thr)

Gene: NF1 (neurofibromin 1; plus strand). Cytogenetic location: 17q11.2.
Variant type: single nucleotide variant.
Coding change: c.4922T>C on transcript NM_001042492.3 (MANE Select); coding-DNA position 4922, T replaced by C.
Protein change: p.Ile1641Thr; replaces isoleucine 1641 with threonine.
Molecular consequence: missense variant.
Genome position (GRCh38, 1-based): chr17:31,325,906, T>C. VCF-style: chr17-31325906-T-C. GRCh37 (hg19) VCF-style: chr17-29652924-T-C.
Other names: c.4859T>C, p.Ile1620Thr (NM_000267.4); short protein forms I1641T, I1620T.
Identifiers: ClinVar variation 582432 (VCV000582432.14), dbSNP rs1567611281, ClinGen allele CA399007117.